The following is an entry in ClinVar:

NM_000245.4(MET):c.1928G>A (p.Gly643Asp)

Gene: MET (MET proto-oncogene, receptor tyrosine kinase; plus strand). Cytogenetic location: 7q31.2.
Variant type: single nucleotide variant.
Coding change: c.1928G>A on transcript NM_000245.4 (MANE Select); coding-DNA position 1928, G replaced by A.
Protein change: p.Gly643Asp; replaces glycine 643 with aspartic acid.
Molecular consequence: missense variant.
Genome position (GRCh38, 1-based): chr7:116,757,502, G>A. VCF-style: chr7-116757502-G-A. GRCh37 (hg19) VCF-style: chr7-116397556-G-A.
Other names: c.1928G>A, p.Gly643Asp (NM_001127500.3, NM_001324401.3); c.638G>A, p.Gly213Asp (NM_001324402.2); short protein forms G213D, G643D.
Identifiers: ClinVar variation 1968843 (VCV001968843.6), dbSNP rs2116920707, ClinGen allele CA368979419.

ClinVar aggregate classification (germline): Uncertain significance. Review status: criteria provided, multiple submitters, no conflicts (2 of 4 stars). 2 submissions from 2 submitters: Uncertain significance (2). Last evaluated 2026-04-28.

Conditions:
Hereditary cancer-predisposing syndrome. Also called: Neoplastic Syndromes, Hereditary; Tumor predisposition; Hereditary Cancer Syndrome; Hereditary neoplastic syndrome. Identifiers: Orphanet 140162, MedGen C0027672, MeSH D009386, MONDO:0015356.
Renal cell carcinoma. Identifiers: Orphanet 217071, MedGen C0007134, MeSH D002292, MONDO:0005086, HP:0005584.

Submissions (2):

Ambry Genetics
Classification: Uncertain significance for Hereditary cancer-predisposing syndrome. Last evaluated: 2026-04-28. Review status: criteria provided, single submitter. Criteria: Ambry Variant Classification Scheme 2023. Collection method: clinical testing. Allele origin: germline.
Comment: The p.G643D variant (also known as c.1928G>A), located in coding exon 6 of the MET gene, results from a G to A substitution at nucleotide position 1928. The glycine at codon 643 is replaced by aspartic acid, an amino acid with similar properties. This amino acid position is conserved. In addition, this alteration is predicted to be tolerated by in silico analysis. Based on the available evidence, the clinical significance of this variant remains unclear.

Labcorp Genetics (formerly Invitae), Labcorp
Classification: Uncertain significance for Renal cell carcinoma. Last evaluated: 2022-10-16. Review status: criteria provided, single submitter. Criteria: Invitae Variant Classification Sherloc (09022015). Collection method: clinical testing. Allele origin: germline.
Comment: This sequence change replaces glycine, which is neutral and non-polar, with aspartic acid, which is acidic and polar, at codon 643 of the MET protein (p.Gly643Asp). This variant has not been reported in the literature in individuals affected with MET-related conditions. This variant is not present in population databases (gnomAD no frequency). In summary, the available evidence is currently insufficient to determine the role of this variant in disease. Therefore, it has been classified as a Variant of Uncertain Significance. Advanced modeling of protein sequence and biophysical properties (such as structural, functional, and spatial information, amino acid conservation, physicochemical variation, residue mobility, and thermodynamic stability) has been performed at Invitae for this missense variant, however the output from this modeling did not meet the statistical confidence thresholds required to predict the impact of this variant on MET protein function.